The following is an entry in ClinVar:

NM_000275.3(OCA2):c.1568G>A (p.Cys523Tyr)

Gene: OCA2 (OCA2 melanosomal transmembrane protein; minus strand). Cytogenetic location: 15q13.1.
Variant type: single nucleotide variant.
Coding change: c.1568G>A on transcript NM_000275.3 (MANE Select); coding-DNA position 1568, G replaced by A.
Protein change: p.Cys523Tyr; replaces cysteine 523 with tyrosine.
Molecular consequence: missense variant.
Genome position (GRCh38, 1-based): chr15:27,966,758, C>T on the plus strand (G>A on the coding strand, the complement: OCA2 is on the minus strand). VCF-style: chr15-27966758-C-T. GRCh37 (hg19) VCF-style: chr15-28211904-C-T.
Other names: c.1496G>A, p.Cys499Tyr (NM_001300984.2); short protein forms C499Y, C523Y.
Identifiers: ClinVar variation 1346367 (VCV001346367.6), dbSNP rs778609798, ClinGen allele CA391357097.

ClinVar aggregate classification (germline): Uncertain significance (1 of 4 stars; one submission).

gnomAD v4.1: 5 of 1,613,780 alleles (0.00031%); highest among the groups gnomAD compares: Non-Finnish European, 0.00042%; no homozygotes.

Submission:

Labcorp Genetics (formerly Invitae), Labcorp
Classification: Uncertain significance. Last evaluated: 2021-10-22. Review status: criteria provided, single submitter. Criteria: Invitae Variant Classification Sherloc (09022015). Collection method: clinical testing. Allele origin: germline.
Comment: This sequence change replaces cysteine with tyrosine at codon 523 of the OCA2 protein (p.Cys523Tyr). The cysteine residue is weakly conserved and there is a large physicochemical difference between cysteine and tyrosine. This variant is not present in population databases (ExAC no frequency). This variant has not been reported in the literature in individuals affected with OCA2-related conditions. Advanced modeling of protein sequence and biophysical properties (such as structural, functional, and spatial information, amino acid conservation, physicochemical variation, residue mobility, and thermodynamic stability) performed at Invitae indicates that this missense variant is not expected to disrupt OCA2 protein function. In summary, the available evidence is currently insufficient to determine the role of this variant in disease. Therefore, it has been classified as a Variant of Uncertain Significance.